The following is an entry in ClinVar:

NM_000083.3(CLCN1):c.1867G>A (p.Gly623Arg)

Gene: CLCN1 (chloride voltage-gated channel 1; plus strand). Cytogenetic location: 7q34.
Variant type: single nucleotide variant.
Coding change: c.1867G>A on transcript NM_000083.3 (MANE Select); coding-DNA position 1867, G replaced by A.
Protein change: p.Gly623Arg; replaces glycine 623 with arginine.
Molecular consequence: missense variant. On other transcripts: non-coding transcript variant (1).
Genome position (GRCh38, 1-based): chr7:143,342,442, G>A. VCF-style: chr7-143342442-G-A. GRCh37 (hg19) VCF-style: chr7-143039535-G-A.
Other names: short protein forms G623R.
Identifiers: ClinVar variation 359115 (VCV000359115.6), dbSNP rs886062035, ClinGen allele CA10623352.

ClinVar aggregate classification (germline): Uncertain significance. Review status: criteria provided, multiple submitters, no conflicts (2 of 4 stars). 2 submissions from 2 submitters: Uncertain significance (2). Last evaluated 2025-02-05.

Conditions:
Batten-Turner congenital myopathy. Also called: Congenital myotonia. Identifiers: Orphanet 206973, MedGen C0027127, MONDO:0100468, OMIM 255300.

Submissions (2):

Women's Health and Genetics/Laboratory Corporation of America, LabCorp
Classification: Uncertain significance. Last evaluated: 2025-02-05. Review status: criteria provided, single submitter. Criteria: LabCorp Variant Classification Summary - May 2015. Collection method: clinical testing. Allele origin: germline.
Comment: Variant summary: CLCN1 c.1867G>A (p.Gly623Arg) results in a non-conservative amino acid change located in the CBS-domain (IPR046342) of the encoded protein sequence. Three of five in-silico tools predict a benign effect of the variant on protein function. The variant was absent in 251478 control chromosomes. The available data on variant occurrences in the general population are insufficient to allow any conclusion about variant significance. To our knowledge, no occurrence of c.1867G>A in individuals affected with Congenital Myotonia, Autosomal Recessive Form and no experimental evidence demonstrating its impact on protein function have been reported. ClinVar contains an entry for this variant (Variation ID: 359115). Based on the evidence outlined above, the variant was classified as uncertain significance.

Illumina Laboratory Services, Illumina
Classification: Uncertain significance for Myotonia congenita. Last evaluated: 2018-01-13. Review status: criteria provided, single submitter. Criteria: ICSL Variant Classification Criteria 13 December 2019. Collection method: clinical testing. Allele origin: germline.